The following is an entry in ClinVar:

NM_002317.7(LOX):c.604G>T (p.Gly202Ter)

Genes: LOX (lysyl oxidase; minus strand), SRFBP1 (serum response factor binding protein 1; plus strand). Cytogenetic location: 5q23.1.
Variant type: single nucleotide variant.
Coding change: c.604G>T on transcript NM_002317.7 (MANE Select); coding-DNA position 604, G replaced by T.
Protein change: p.Gly202Ter; replaces glycine 202 with a stop codon.
Molecular consequence: nonsense.
Genome position (GRCh38, 1-based): chr5:122,077,382, C>A on the plus strand (G>T on the coding strand, the complement: LOX is on the minus strand). VCF-style: chr5-122077382-C-A. GRCh37 (hg19) VCF-style: chr5-121413077-C-A.
Other names: c.604G>T (NM_002317.6); short protein forms G202*.
Identifiers: ClinVar variation 617847 (VCV000617847.10), dbSNP rs1473260982, ClinGen allele CA360875449.

ClinVar aggregate classification (germline): Pathogenic/Likely pathogenic. Review status: criteria provided, multiple submitters, no conflicts (2 of 4 stars). 4 submissions from 4 submitters: Pathogenic (2); Likely pathogenic (1). 1 of the submissions does not count toward it. Last evaluated 2026-01-12.

Conditions:
Congenital aneurysm of ascending aorta (AAT1). Also called: Aortic aneurysm, thoracic; Familial thoracic aortic aneurysm; AORTIC ANEURYSM, FAMILIAL THORACIC 1; ANNULOAORTIC ECTASIA. Identifiers: Orphanet 229, MedGen C0345050, MONDO:0024559, OMIM 607086.
Acute aortic dissection. Identifiers: MedGen C0241868.
Cardiovascular phenotype. Identifiers: MedGen CN230736.

Allele frequency attached by ClinVar (database versions not stated): gnomAD exomes below 0.00001.
gnomAD v4.1: 3 of 1,613,964 alleles (0.00019%); highest among the groups gnomAD compares: Non-Finnish European, 0.00025%; no homozygotes.

Submissions (4):

Labcorp Genetics (formerly Invitae), Labcorp
Classification: Pathogenic. Last evaluated: 2026-01-12. Review status: criteria provided, single submitter. Criteria: Invitae Variant Classification Sherloc (09022015). Collection method: clinical testing. Allele origin: germline.
Comment: This sequence change creates a premature translational stop signal (p.Gly202*) in the LOX gene. It is expected to result in an absent or disrupted protein product. Loss-of-function variants in LOX are known to be pathogenic (PMID: 12417550, 26838787, 27432961). This variant is not present in population databases (gnomAD no frequency). This premature translational stop signal has been observed in individual(s) with clinical features of LOX-related conditions (PMID: 26838787). ClinVar contains an entry for this variant (Variation ID: 617847). For these reasons, this variant has been classified as Pathogenic.

GeneDx
Classification: Pathogenic. Last evaluated: 2025-06-26. Review status: criteria provided, single submitter. Criteria: GeneDx Variant Classification Process June 2021. Collection method: clinical testing. Allele origin: germline. Affected: yes.
Comment: Nonsense variant predicted to result in protein truncation or nonsense mediated decay in a gene for which loss of function is a known mechanism of disease; Not observed at significant frequency in large population cohorts (gnomAD); This variant is associated with the following publications: (PMID: 26838787, Pawlicki2024[CaseReport])

Ambry Genetics
Classification: Likely pathogenic for Cardiovascular phenotype. Last evaluated: 2019-01-10. Review status: criteria provided, single submitter. Criteria: Ambry Variant Classification Scheme 2023. Collection method: clinical testing. Allele origin: germline.
Comment: The p.G202* variant (also known as c.604G>T), located in coding exon 1 of the LOX gene, results from a G to T substitution at nucleotide position 604. This changes the amino acid from a glycine to a stop codon within coding exon 1. This alteration has been reported in an individual with an aortic aneurysm and a family history of aortic dissection (Guo DC et al. Circ. Res., 2016 Mar;118:928-34). In addition to the clinical data presented in the literature, this alteration is expected to result in loss of function by premature protein truncation or nonsense-mediated mRNA decay. Loss of function of LOX has not yet been clearly established as a mechanism of disease for this recently characterized gene, although the available evidence does support haploinsufficiency as a mechanism. Based on the majority of available evidence to date, this variant is likely to be pathogenic.

University of Washington Center for Mendelian Genomics, University of Washington
Classification: Pathogenic for Familial thoracic aortic aneurysms; Acute aortic dissections. Last evaluated: 2016-01-12. Review status: no assertion criteria provided. Collection method: research. Allele origin: unknown. Inheritance: Autosomal dominant inheritance. Affected: yes. Observed: 1 heterozygote. Not counted in ClinVar's aggregate classification.

Literature cited by the submitters: PubMed 12417550 (cited by Labcorp Genetics (formerly Invitae), Labcorp); PubMed 26838787 (cited by Labcorp Genetics (formerly Invitae), Labcorp and Ambry Genetics); PubMed 27432961 (cited by Labcorp Genetics (formerly Invitae), Labcorp); PMC 4839295 (cited by University of Washington Center for Mendelian Genomics, University of Washington).